The following is an entry in ClinVar:

ClinVar aggregate classification (germline): Likely pathogenic (1 of 4 stars; one submission).

Conditions:
Microcephaly, normal intelligence and immunodeficiency (NBS). Also called: Ataxia telangiectasia variant V1; IMMUNODEFICIENCY, MICROCEPHALY, AND CHROMOSOMAL INSTABILITY; SEEMANOVA SYNDROME II; Immunodeficiency, microcephaly with normal intelligence; Nijmegen breakage syndrome; Microcephaly with normal intelligence immunodeficiency and lymphoreticular malignancies. Identifiers: Orphanet 647, MedGen C0398791, MONDO:0009623, OMIM 251260.

Submission:

Myriad Genetics, Inc.
Classification: Likely pathogenic for Microcephaly, normal intelligence and immunodeficiency. Last evaluated: 2022-03-06. Review status: criteria provided, single submitter. Criteria: Myriad Women's Health Autosomal Recessive and X-Linked Classification Criteria (2021). Collection method: clinical testing. Allele origin: unknown.
Comment: NM_002485.4(NBN):c.1307T>A(L436*) is expected to be pathogenic in the context of Nijmegen breakage syndrome. This variant is predicted to lead to an abnormal or absent protein product due to the creation of a premature termination codon in NBN, a gene where loss-of-function variants are known to be pathogenic. Please note: this variant was assessed in the context of healthy population screening.

NM_002485.5(NBN):c.1307T>A (p.Leu436Ter)

Gene: NBN (nibrin; minus strand). Cytogenetic location: 8q21.3.
Variant type: single nucleotide variant.
Coding change: c.1307T>A on transcript NM_002485.5 (MANE Select); coding-DNA position 1307, T replaced by A.
Protein change: p.Leu436Ter; replaces leucine 436 with a stop codon.
Molecular consequence: nonsense.
Genome position (GRCh38, 1-based): chr8:89,955,373, A>T on the plus strand (T>A on the coding strand, the complement: NBN is on the minus strand). VCF-style: chr8-89955373-A-T. GRCh37 (hg19) VCF-style: chr8-90967601-A-T.
Other names: c.1061T>A, p.Leu354Ter (NM_001024688.3); short protein forms L354*, L436*.
Identifiers: ClinVar variation 1725059 (VCV001725059.2), dbSNP rs2488243337, ClinGen allele CA371656152.